The following is an entry in ClinVar:

ClinVar aggregate classification (germline): Likely benign (1 of 4 stars; one submission).

Conditions:
Familial adenomatous polyposis 1 (FAP1). Also called: POLYPOSIS, ADENOMATOUS INTESTINAL; FAMILIAL ADENOMATOUS POLYPOSIS 1, ATTENUATED. Identifiers: MedGen C2713442, MONDO:0021056, OMIM 175100. Disease mechanism: loss of function.

Submission:

Myriad Genetics, Inc.
Classification: Likely benign for Familial adenomatous polyposis 1. Last evaluated: 2024-03-01. Review status: criteria provided, single submitter. Criteria: Myriad Autosomal Dominant, Autosomal Recessive and X-Linked Classification Criteria (2023). Collection method: clinical testing. Allele origin: unknown.
Comment: This variant is considered likely benign. This variant is intronic and is not expected to impact mRNA splicing.

NM_000038.6(APC):c.1408+7C>G

Gene: APC (APC regulator of Wnt signaling pathway; plus strand). Cytogenetic location: 5q22.2.
Variant type: single nucleotide variant.
Coding change: c.1408+7C>G on transcript NM_000038.6 (MANE Select); 7 bases into the intron after coding-DNA position 1408, C replaced by G.
Molecular consequence: intron variant.
Genome position (GRCh38, 1-based): chr5:112,821,998, C>G. VCF-style: chr5-112821998-C-G. GRCh37 (hg19) VCF-style: chr5-112157695-C-G.
Other names: c.559+7C>G (NM_001407470.1, NM_001354906.2); c.256+7C>G (NM_001407472.1, NM_001407471.1); c.1408+7C>G (NM_001407447.1, NM_001354895.2, NM_001407448.1 and 4 more transcripts); c.1105+7C>G (NM_001407456.1, NM_001407460.1, NM_001407457.1 and 5 more transcripts); c.1324+7C>G (NM_001407452.1, NM_001354899.2); c.1021+7C>G (NM_001407469.1, NM_001407467.1); c.1438+7C>G (NM_001407446.1, NM_001354897.2); c.1135+7C>G (NM_001354902.2); and 5 more.
Identifiers: ClinVar variation 3148531 (VCV003148531.1), dbSNP rs1455904639, ClinGen allele CA2825001346.